The following is an entry in ClinVar:

NM_024334.3(TMEM43):c.1072T>C (p.Ser358Pro)

Gene: TMEM43 (transmembrane protein 43; plus strand). Cytogenetic location: 3p25.1.
Variant type: single nucleotide variant.
Coding change: c.1072T>C on transcript NM_024334.3 (MANE Select); coding-DNA position 1072, T replaced by C.
Protein change: p.Ser358Pro; replaces serine 358 with proline.
Molecular consequence: missense variant.
Genome position (GRCh38, 1-based): chr3:14,141,664, T>C. VCF-style: chr3-14141664-T-C. GRCh37 (hg19) VCF-style: chr3-14183164-T-C.
Other names: short protein forms S358P.
Identifiers: ClinVar variation 924715 (VCV000924715.17), dbSNP rs1559363695, ClinGen allele CA351536486.

ClinVar aggregate classification (germline): Conflicting classifications of pathogenicity. Review status: criteria provided, conflicting classifications (1 of 4 stars). 5 submissions from 5 submitters: Likely pathogenic (1); Uncertain significance (4). Last evaluated 2025-10-24.

Conditions:
Cardiomyopathy (CMYO). Also called: Cardiomyopathies. Identifiers: Orphanet 167848, MedGen C0878544, MONDO:0004994, HP:0001638. Inheritance: Various modes of inheritance.
Cardiovascular phenotype. Identifiers: MedGen CN230736.
Arrhythmogenic right ventricular dysplasia 5. Also called: Arrhythmogenic Right Ventricular Dysplasia/Cardiomyopathy 5; ARRHYTHMOGENIC RIGHT VENTRICULAR DYSPLASIA, FAMILIAL, 5. Identifiers: MedGen C1858379, MONDO:0011459, OMIM 604400.

Allele frequency attached by ClinVar (database versions not stated): gnomAD exomes below 0.00001 and 0.00001.
gnomAD v4.1: 15 of 1,614,206 alleles (0.00093%); highest among the groups gnomAD compares: Non-Finnish European, 0.0012%; no homozygotes.

Submissions (5):

Labcorp Genetics (formerly Invitae), Labcorp
Classification: Likely pathogenic for Arrhythmogenic right ventricular dysplasia 5. Last evaluated: 2025-10-24. Review status: criteria provided, single submitter. Criteria: Invitae Variant Classification Sherloc (09022015). Collection method: clinical testing. Allele origin: germline.
Comment: This sequence change replaces serine, which is neutral and polar, with proline, which is neutral and non-polar, at codon 358 of the TMEM43 protein (p.Ser358Pro). This variant is not present in population databases (gnomAD no frequency). This missense change has been observed in individual(s) with arrhythmogenic cardiomyopathy (internal data). ClinVar contains an entry for this variant (Variation ID: 924715). Invitae Evidence Modeling of protein sequence and biophysical properties (such as structural, functional, and spatial information, amino acid conservation, physicochemical variation, residue mobility, and thermodynamic stability) indicates that this missense variant is not expected to disrupt TMEM43 protein function with a negative predictive value of 80%. This variant disrupts the p.Ser358 amino acid residue in TMEM43. Other variant(s) that disrupt this residue have been determined to be pathogenic (PMID: 18313022, 21214875, 23810883, 23812740, 24598986, 25343256). This suggests that this residue is clinically significant, and that variants that disrupt this residue are likely to be disease-causing. In summary, the currently available evidence indicates that the variant is pathogenic, but additional data are needed to prove that conclusively. Therefore, this variant has been classified as Likely Pathogenic.

Ambry Genetics
Classification: Uncertain significance for Cardiovascular phenotype. Last evaluated: 2025-09-05. Review status: criteria provided, single submitter. Criteria: Ambry Variant Classification Scheme 2023. Collection method: clinical testing. Allele origin: germline.
Comment: The p.S358P variant (also known as c.1072T>C), located in coding exon 12 of the TMEM43 gene, results from a T to C substitution at nucleotide position 1072. The serine at codon 358 is replaced by proline, an amino acid with similar properties. This amino acid position is highly conserved in available vertebrate species. In addition, this alteration is predicted to be deleterious by in silico analysis. Based on the available evidence, the clinical significance of this variant remains unclear.

Color Diagnostics, LLC DBA Color Health
Classification: Uncertain significance for Cardiomyopathy. Last evaluated: 2025-06-19. Review status: criteria provided, single submitter. Criteria: ACMG Guidelines, 2015. Collection method: clinical testing. Allele origin: germline.
Comment: This missense variant replaces serine with proline at codon 358 of the TMEM43 protein. Computational prediction suggests that this variant may not impact protein structure and function. To our knowledge, functional studies have not been reported for this variant. This variant has not been reported in individuals affected with cardiovascular disorders in the literature. This variant has been identified in 1/251384 chromosomes in the general population by the Genome Aggregation Database (gnomAD). A different missense variant occurring at the same codon, p.Ser358Leu (Clinvar variation ID: 734) is known to cause arrhythmogenic right ventricular cardiomyopathy, suggesting that serine at this position is important for TMEM43 protein function. The available evidence is insufficient to determine the role of this variant in disease conclusively. Therefore, this variant is classified as a Variant of Uncertain Significance.

All of Us Research Program, National Institutes of Health
Classification: Uncertain significance for Arrhythmogenic right ventricular dysplasia 5. Last evaluated: 2024-01-11. Review status: criteria provided, single submitter. Criteria: ACMG Guidelines, 2015. Collection method: clinical testing. Allele origin: germline. Inheritance: Autosomal dominant inheritance. Observed: 4 variant alleles, 4 heterozygotes.
Comment: This missense variant replaces serine with proline at codon 358 of the TMEM43 protein. Computational prediction suggests that this variant may not impact protein structure and function (internally defined REVEL score threshold <= 0.5, PMID: 27666373). To our knowledge, functional studies have not been reported for this variant. This variant has not been reported in individuals affected with cardiovascular disorders in the literature. This variant has been identified in 1/251384 chromosomes in the general population by the Genome Aggregation Database (gnomAD). A different missense variant occurring at the same codon, p.Ser358Leu (Clinvar variation ID: 734) is known to cause arrhythmogenic right ventricular cardiomyopathy, suggesting that serine at this position is important for TMEM43 protein function. The available evidence is insufficient to determine the role of this variant in disease conclusively. Therefore, this variant is classified as a Variant of Uncertain Significance.

This study involves interpretation of variants in research participants for the purpose of population health screening. Participant phenotype was not available at the time of variant classification. Additional details can be found in publication PMID: 35346344, PMCID: PMC8962531

Blueprint Genetics
Classification: Uncertain significance. Last evaluated: 2021-01-21. Review status: criteria provided, single submitter. Criteria: ACMG Guidelines, 2015. Collection method: clinical testing. Allele origin: germline.

Literature cited by the submitters: PubMed 18313022 (cited by Labcorp Genetics (formerly Invitae), Labcorp); PubMed 21214875 (cited by Labcorp Genetics (formerly Invitae), Labcorp); PubMed 23810883 (cited by Labcorp Genetics (formerly Invitae), Labcorp); PubMed 23812740 (cited by Labcorp Genetics (formerly Invitae), Labcorp); PubMed 24598986 (cited by Labcorp Genetics (formerly Invitae), Labcorp); PubMed 25343256 (cited by Labcorp Genetics (formerly Invitae), Labcorp).